The following is an entry in ClinVar:

ClinVar aggregate classification (germline): Uncertain significance (1 of 4 stars; one submission).

Submission:

GeneDx
Classification: Uncertain significance. Last evaluated: 2025-07-15. Review status: criteria provided, single submitter. Criteria: GeneDx Variant Classification Process June 2021. Collection method: clinical testing. Allele origin: germline. Affected: yes.
Comment: Not observed at significant frequency in large population cohorts (gnomAD); In silico analysis supports that this missense variant has a deleterious effect on protein structure/function; Has not been previously published as pathogenic or benign to our knowledge

NM_000260.4(MYO7A):c.975C>G (p.Ile325Met)

Gene: MYO7A (myosin VIIA; plus strand). Cytogenetic location: 11q13.5.
Variant type: single nucleotide variant.
Coding change: c.975C>G on transcript NM_000260.4 (MANE Select); coding-DNA position 975, C replaced by G.
Protein change: p.Ile325Met; replaces isoleucine 325 with methionine.
Molecular consequence: missense variant.
Genome position (GRCh38, 1-based): chr11:77,158,402, C>G. VCF-style: chr11-77158402-C-G. GRCh37 (hg19) VCF-style: chr11-76869448-C-G.
Other names: c.975C>G, p.Ile325Met (NM_001127180.2); c.942C>G, p.Ile314Met (NM_001369365.1); short protein forms I314M, I325M.
Identifiers: ClinVar variation 4686194 (VCV004686194.1).